The following is an entry in ClinVar:

ClinVar aggregate classification (germline): Uncertain significance (1 of 4 stars; one submission).

Allele frequency attached by ClinVar (database versions not stated): gnomAD exomes 0.00001.
gnomAD v4.1: 14 of 1,612,468 alleles (0.00087%); highest among the groups gnomAD compares: Non-Finnish European, 0.0012%; no homozygotes.

Submission:

Labcorp Genetics (formerly Invitae), Labcorp
Classification: Uncertain significance. Last evaluated: 2024-02-24. Review status: criteria provided, single submitter. Criteria: Invitae Variant Classification Sherloc (09022015). Collection method: clinical testing. Allele origin: germline.
Comment: This sequence change replaces glutamine, which is neutral and polar, with arginine, which is basic and polar, at codon 1148 of the MPDZ protein (p.Gln1148Arg). This variant is not present in population databases (gnomAD no frequency). This variant has not been reported in the literature in individuals affected with MPDZ-related conditions. ClinVar contains an entry for this variant (Variation ID: 1373675). An algorithm developed to predict the effect of missense changes on protein structure and function (PolyPhen-2) suggests that this variant is likely to be disruptive. In summary, the available evidence is currently insufficient to determine the role of this variant in disease. Therefore, it has been classified as a Variant of Uncertain Significance.

NM_001378778.1(MPDZ):c.3443A>G (p.Gln1148Arg)

Gene: MPDZ (multiple PDZ domain crumbs cell polarity complex component; minus strand). Cytogenetic location: 9p23.
Variant type: single nucleotide variant.
Coding change: c.3443A>G on transcript NM_001378778.1 (MANE Select); coding-DNA position 3443, A replaced by G.
Protein change: p.Gln1148Arg; replaces glutamine 1148 with arginine.
Molecular consequence: missense variant. On other transcripts: intron variant (1).
Genome position (GRCh38, 1-based): chr9:13,158,027, T>C on the plus strand (A>G on the coding strand, the complement: MPDZ is on the minus strand). VCF-style: chr9-13158027-T-C. GRCh37 (hg19) VCF-style: chr9-13158026-T-C.
Other names: c.3443A>G, p.Gln1148Arg (NM_001261406.2, NM_001261407.2, NM_001330637.2 and 13 more transcripts); c.3255-7339A>G (NM_001375427.1); short protein forms Q1148R.
Identifiers: ClinVar variation 1373675 (VCV001373675.6), dbSNP rs752969006, ClinGen allele CA189316691.